The following is an entry in ClinVar:

NM_004006.3(DMD):c.3457A>T (p.Lys1153Ter)

Gene: DMD (dystrophin; minus strand). Cytogenetic location: Xp21.1.
Variant type: single nucleotide variant.
Coding change: c.3457A>T on transcript NM_004006.3 (MANE Select); coding-DNA position 3457, A replaced by T.
Protein change: p.Lys1153Ter; replaces lysine 1153 with a stop codon.
Molecular consequence: nonsense.
Genome position (GRCh38, 1-based): chrX:32,454,808, T>A on the plus strand (A>T on the coding strand, the complement: DMD is on the minus strand). VCF-style: chrX-32454808-T-A. GRCh37 (hg19) VCF-style: chrX-32472925-T-A.
Other names: p.Lys1153Ter; c.3433A>T, p.Lys1145Ter (NM_000109.4); c.3445A>T, p.Lys1149Ter (NM_004009.3); c.3088A>T, p.Lys1030Ter (NM_004010.3); c.3457A>T (NM_004006.2); short protein forms K1030*, K1145*, K1149*, K1153*.
Identifiers: ClinVar variation 984108 (VCV000984108.6), dbSNP rs2098349366, ClinGen allele CA412663355.
Genomic context (GRCh38, chrX:32,454,808, plus strand): 5'-TCCATTCGTGCATCTCTGATAGATCTTTCTGGAGGCTTACAGTTTTCTCCAAACCTCCCT[T>A]CAAGGCCTCCTTTCTGGCATAGACCTTCCACAAAACAAACAAACAAAACACGATTATTGA-3'

ClinVar aggregate classification (germline): Pathogenic/Likely pathogenic. Review status: criteria provided, multiple submitters, no conflicts (2 of 4 stars). 2 submissions from 2 submitters: Pathogenic (1); Likely pathogenic (1). Last evaluated 2021-12-17.

Conditions:
Duchenne muscular dystrophy (DMD). Also called: MUSCULAR DYSTROPHY, PSEUDOHYPERTROPHIC PROGRESSIVE, DUCHENNE TYPE; Duchenne Muscular Dystrophy (DMD). Identifiers: Orphanet 98896, MedGen C0013264, MONDO:0010679, OMIM 310200.
Progressive muscular dystrophy. Identifiers: Orphanet 206644, MedGen C4551827, MONDO:0016106.

Submissions (2):

Breakthrough Genomics
Classification: Pathogenic for Duchenne muscular dystrophy. Last evaluated: 2021-12-17. Review status: criteria provided, single submitter. Criteria: ACMG Guidelines, 2015. Collection method: clinical testing. Allele origin: germline. Affected: yes.
Comment: This variant has not been previously reported in literature. However, several other nonsense variants lying downstream of the variant, have been previously reported as pathogenic in the ClinVar database context of Duchenne muscular dystrophy. Loss-of-function variants in the DMD gene are known to be pathogenic [PMID: 16770791, 25007885].

Myriad Genetics, Inc.
Classification: Likely pathogenic for Progressive muscular dystrophy. Last evaluated: 2019-06-15. Review status: criteria provided, single submitter. Criteria: Myriad Autosomal Dominant, Autosomal Recessive and X-Linked Classification Criteria (2023). Collection method: clinical testing. Allele origin: unknown.
Comment: NM_004006.2(DMD):c.3457A>T(K1153*) is expected to be pathogenic in the context of dystrophinopathy (including Duchenne/Becker muscular dystrophy). This variant is predicted to lead to an abnormal or absent protein product due to the creation of a premature termination codon in DMD, a gene where loss-of-function variants are known to be pathogenic. Please note: this variant was assessed in the context of healthy population screening.